The following is an entry in ClinVar:

NM_006231.4(POLE):c.5416A>G (p.Ile1806Val)

Gene: POLE (DNA polymerase epsilon, catalytic subunit; minus strand). Cytogenetic location: 12q24.33.
Variant type: single nucleotide variant.
Coding change: c.5416A>G on transcript NM_006231.4 (MANE Select); coding-DNA position 5416, A replaced by G.
Protein change: p.Ile1806Val; replaces isoleucine 1806 with valine.
Molecular consequence: missense variant.
Genome position (GRCh38, 1-based): chr12:132,639,261, T>C on the plus strand (A>G on the coding strand, the complement: POLE is on the minus strand). VCF-style: chr12-132639261-T-C. GRCh37 (hg19) VCF-style: chr12-133215847-T-C.
Other names: short protein forms I1806V.
Identifiers: ClinVar variation 4862297 (VCV004862297.1).

ClinVar aggregate classification (germline): Uncertain significance (1 of 4 stars; one submission).

Conditions:
Hereditary cancer-predisposing syndrome. Also called: Neoplastic Syndromes, Hereditary; Tumor predisposition; Hereditary Cancer Syndrome; Hereditary neoplastic syndrome. Identifiers: Orphanet 140162, MedGen C0027672, MeSH D009386, MONDO:0015356.

gnomAD v4.1: 1 of 1,613,852 alleles (0.000062%); no homozygotes.

Submission:

Ambry Genetics
Classification: Uncertain significance for Hereditary cancer-predisposing syndrome. Last evaluated: 2026-05-04. Review status: criteria provided, single submitter. Criteria: Ambry Variant Classification Scheme 2023. Collection method: clinical testing. Allele origin: germline.
Comment: The p.I1806V variant (also known as c.5416A>G), located in coding exon 40 of the POLE gene, results from an A to G substitution at nucleotide position 5416. The isoleucine at codon 1806 is replaced by valine, an amino acid with highly similar properties. This amino acid position is conserved. In addition, this alteration is predicted to be tolerated by in silico analysis. Based on the available evidence, the clinical significance of this variant remains unclear.